The following is an entry in ClinVar:

NM_015346.4(ZFYVE26):c.7188+173G>A

Gene: ZFYVE26 (zinc finger FYVE-type containing 26; minus strand). Cytogenetic location: 14q24.1.
Variant type: single nucleotide variant.
Coding change: c.7188+173G>A on transcript NM_015346.4 (MANE Select); 173 bases into the intron after coding-DNA position 7188, G replaced by A.
Molecular consequence: intron variant.
Genome position (GRCh38, 1-based): chr14:67,753,534, C>T on the plus strand (G>A on the coding strand, the complement: ZFYVE26 is on the minus strand). VCF-style: chr14-67753534-C-T. GRCh37 (hg19) VCF-style: chr14-68220251-C-T.
Identifiers: ClinVar variation 672763 (VCV000672763.2), dbSNP rs12880908, ClinGen allele CA15806914.

ClinVar aggregate classification (germline): Benign. Review status: criteria provided, multiple submitters, no conflicts (2 of 4 stars). 2 submissions from 2 submitters: Benign (2). Last evaluated 2018-06-14.

Allele frequency attached by ClinVar (database versions not stated): 1000 Genomes Project 0.12380; 1000 Genomes Project 30x 0.12570; gnomAD 0.13093 and 0.13277; TOPMed 0.13181.
gnomAD v4.1: 20,009 of 152,182 alleles (13%); highest among the groups gnomAD compares: Middle Eastern, 22%; 1,367 homozygotes.

Submissions (2):

GeneDx
Classification: Benign. Last evaluated: 2018-06-14. Review status: criteria provided, single submitter. Criteria: GeneDx Variant Classification (06012015). Collection method: clinical testing. Allele origin: germline. Affected: yes.
Comment: This variant is considered likely benign or benign based on one or more of the following criteria: it is a conservative change, it occurs at a poorly conserved position in the protein, it is predicted to be benign by multiple in silico algorithms, and/or has population frequency not consistent with disease.

Breakthrough Genomics
Classification: Benign. Review status: criteria provided, single submitter. Criteria: ACMG Guidelines, 2015. Collection method: not provided. Allele origin: germline. Inheritance: Autosomal recessive inheritance. Affected: yes.